The following is an entry in ClinVar:

NM_024884.3(L2HGDH):c.1065-2A>G

Gene: L2HGDH (L-2-hydroxyglutarate dehydrogenase; minus strand). Cytogenetic location: 14q21.3.
Variant type: single nucleotide variant.
Coding change: c.1065-2A>G on transcript NM_024884.3 (MANE Select); the canonical splice acceptor site of the intron before coding-DNA position 1065, A replaced by G.
Molecular consequence: splice acceptor variant.
Genome position (GRCh38, 1-based): chr14:50,265,491, T>C on the plus strand (A>G on the coding strand, the complement: L2HGDH is on the minus strand). VCF-style: chr14-50265491-T-C. GRCh37 (hg19) VCF-style: chr14-50732209-T-C.
Identifiers: ClinVar variation 3008803 (VCV003008803.4), dbSNP rs2503494836, ClinGen allele CA389648686.

ClinVar aggregate classification (germline): Likely pathogenic. Review status: criteria provided, multiple submitters, no conflicts (2 of 4 stars). 2 submissions from 2 submitters: Likely pathogenic (2). Last evaluated 2026-03-12.

Conditions:
L-2-hydroxyglutaric aciduria (L2HGA). Identifiers: Orphanet 79314, MedGen C1855995, MONDO:0009370, OMIM 236792, HP:0040144.

Submissions (2):

Women's Health and Genetics/Laboratory Corporation of America, LabCorp
Classification: Likely pathogenic for L-2-hydroxyglutaric aciduria. Last evaluated: 2026-03-12. Review status: criteria provided, single submitter. Criteria: LabCorp Variant Classification Summary - May 2015. Collection method: clinical testing. Allele origin: germline.
Comment: Variant summary: L2HGDH c.1065-2A>G is located in a canonical splice-site and is predicted to affect mRNA splicing resulting in a significantly altered protein due to either exon skipping, shortening, or inclusion of intronic material. Variants that disrupt the consensus splice site are a relatively common cause of aberrant splicing and loss of L2HGDH function. Several computational tools predict a significant impact on normal splicing: Four predict the variant abolishes a 3' acceptor site. However, these predictions have yet to be confirmed by functional studies. The variant was absent in 249718 control chromosomes. To our knowledge, no occurrence of c.1065-2A>G in individuals affected with L2HGDH-related conditions and no experimental evidence demonstrating its impact on protein function have been reported. ClinVar contains an entry for this variant (Variation ID: 3008803). Based on the evidence outlined above, the variant was classified as likely pathogenic.

Labcorp Genetics (formerly Invitae), Labcorp
Classification: Likely pathogenic for L-2-hydroxyglutaric aciduria. Last evaluated: 2023-10-06. Review status: criteria provided, single submitter. Criteria: Invitae Variant Classification Sherloc (09022015). Collection method: clinical testing. Allele origin: germline.
Comment: This sequence change affects an acceptor splice site in intron 8 of the L2HGDH gene. It is expected to disrupt RNA splicing. Variants that disrupt the donor or acceptor splice site typically lead to a loss of protein function (PMID: 16199547), and loss-of-function variants in L2HGDH are known to be pathogenic (PMID: 16134148, 20052767). This variant is not present in population databases (gnomAD no frequency). This variant has not been reported in the literature in individuals affected with L2HGDH-related conditions. Algorithms developed to predict the effect of sequence changes on RNA splicing suggest that this variant may disrupt the consensus splice site. In summary, the currently available evidence indicates that the variant is pathogenic, but additional data are needed to prove that conclusively. Therefore, this variant has been classified as Likely Pathogenic.

Literature cited by the submitters: PubMed 16199547 (cited by Labcorp Genetics (formerly Invitae), Labcorp); PubMed 16134148 (cited by Labcorp Genetics (formerly Invitae), Labcorp); PubMed 20052767 (cited by Labcorp Genetics (formerly Invitae), Labcorp).